The following is an entry in ClinVar:

ClinVar aggregate classification (germline): Likely benign (1 of 4 stars; one submission).

Allele frequency attached by ClinVar (database versions not stated): 1000 Genomes Project 30x 0.00047; 1000 Genomes Project 0.00060; ESP Exome Variant Server 0.00077; gnomAD 0.00079; TOPMed 0.00097.
gnomAD v4.1: 360 of 1,614,108 alleles (0.022%); highest among the groups gnomAD compares: African/African-American, 0.25%; 1 homozygote.

Submission:

CeGaT Center for Human Genetics Tuebingen
Classification: Likely benign. Last evaluated: 2022-10-01. Review status: criteria provided, single submitter. Criteria: CeGaT Center For Human Genetics Tuebingen Variant Classification Criteria Version 2. Collection method: clinical testing. Allele origin: germline. Affected: yes. Observed: 1 variant allele.
Comment: METTL27: BP4, BP7

NM_152559.3(METTL27):c.639G>A (p.Pro213=)

Gene: METTL27 (methyltransferase like 27; minus strand). Cytogenetic location: 7q11.23.
Variant type: single nucleotide variant.
Coding change: c.639G>A on transcript NM_152559.3 (MANE Select); coding-DNA position 639, G replaced by A.
Protein change: p.Pro213=; no amino-acid change (proline 213 retained).
Molecular consequence: synonymous variant.
Genome position (GRCh38, 1-based): chr7:73,834,842, C>T on the plus strand (G>A on the coding strand, the complement: METTL27 is on the minus strand). VCF-style: chr7-73834842-C-T. GRCh37 (hg19) VCF-style: chr7-73249172-C-T.
Identifiers: ClinVar variation 2657571 (VCV002657571.24), dbSNP rs147956476, ClinGen allele CA4291617.